The following is an entry in ClinVar:

ClinVar aggregate classification (germline): Conflicting classifications of pathogenicity. Review status: criteria provided, conflicting classifications (1 of 4 stars). 2 submissions from 2 submitters: Pathogenic (1); Uncertain significance (1). Last evaluated 2023-10-30.

Conditions:
Early-infantile DEE. Also called: Early infantile epileptic encephalopathy with suppression bursts; Early infantile epileptic encephalopathy; Ohtahara syndrome. Identifiers: Orphanet 1934, MedGen C0393706, MONDO:0800491.
Generalized epilepsy with febrile seizures plus, type 2 (GEFSP2). Also called: GEFS+, TYPE 2. Identifiers: Orphanet 36387, MedGen C1858673, MONDO:0011461, OMIM 604403.

Submissions (2):

Labcorp Genetics (formerly Invitae), Labcorp
Classification: Pathogenic for Early-infantile DEE. Last evaluated: 2023-10-30. Review status: criteria provided, single submitter. Criteria: Invitae Variant Classification Sherloc (09022015). Collection method: clinical testing. Allele origin: germline.
Comment: This sequence change replaces phenylalanine, which is neutral and non-polar, with valine, which is neutral and non-polar, at codon 1466 of the SCN1A protein (p.Phe1466Val). This variant is not present in population databases (gnomAD no frequency). This missense change has been observed in individual(s) with clinical features of SCN1A-related conditions (Invitae). In at least one individual the variant was observed to be de novo. ClinVar contains an entry for this variant (Variation ID: 2431634). Advanced modeling of protein sequence and biophysical properties (such as structural, functional, and spatial information, amino acid conservation, physicochemical variation, residue mobility, and thermodynamic stability) performed at Invitae indicates that this missense variant is expected to disrupt SCN1A protein function with a positive predictive value of 95%. For these reasons, this variant has been classified as Pathogenic.

Laboratorio de Genetica e Diagnostico Molecular, Hospital Israelita Albert Einstein
Classification: Uncertain significance for Generalized epilepsy with febrile seizures plus, type 2. Last evaluated: 2023-01-31. Review status: criteria provided, single submitter. Criteria: ACMG Guidelines, 2015. Collection method: clinical testing. Allele origin: germline. Affected: yes. Observed: 1 variant allele.
Comment: ACMG classification criteria: PM2 moderated, PP2 supporting, PP3 supporting

NM_001165963.4(SCN1A):c.4396T>G (p.Phe1466Val)

Genes: SCN1A (sodium voltage-gated channel alpha subunit 1; minus strand), LOC102724058 (uncharacterized LOC102724058; plus strand). Cytogenetic location: 2q24.3.
Variant type: single nucleotide variant.
Coding change: c.4396T>G on transcript NM_001165963.4 (MANE Select); coding-DNA position 4396, T replaced by G.
Protein change: p.Phe1466Val; replaces phenylalanine 1466 with valine.
Molecular consequence: missense variant. On other transcripts: non-coding transcript variant (1).
Genome position (GRCh38, 1-based): chr2:165,998,118, A>C on the plus strand (T>G on the coding strand, the complement: SCN1A is on the minus strand). VCF-style: chr2-165998118-A-C. GRCh37 (hg19) VCF-style: chr2-166854628-A-C.
Other names: c.4312T>G, p.Phe1438Val (NM_001165964.3, NM_001353957.2, NM_001353958.2); c.4396T>G, p.Phe1466Val (NM_001202435.3, NM_001353948.2); c.4363T>G, p.Phe1455Val (NM_001353949.2, NM_001353950.2, NM_001353951.2 and 2 more transcripts); c.4360T>G, p.Phe1454Val (NM_001353954.2, NM_001353955.2); c.4309T>G, p.Phe1437Val (NM_001353960.2); c.1954T>G, p.Phe652Val (NM_001353961.2); short protein forms F1437V, F1438V, F1454V, F1455V, F1466V, F652V.
Identifiers: ClinVar variation 2431634 (VCV002431634.4), dbSNP rs2105476313, ClinGen allele CA349049386.